The following is an entry in ClinVar:

NM_133433.4(NIPBL):c.8310del (p.Asp2770fs)

Gene: NIPBL (NIPBL cohesin loading factor; plus strand). Cytogenetic location: 5p13.2.
Variant type: Deletion.
Coding change: c.8310del on transcript NM_133433.4 (MANE Select); coding-DNA position 8310, one base deleted (C; older notation c.8310delC).
Protein change: p.Asp2770fs; shifts the reading frame from aspartic acid 2770.
Molecular consequence: frameshift variant. On other transcripts: 3 prime UTR variant (2).
Genome position (GRCh38, 1-based): chr5:37,064,787, C deleted. VCF-style (leftmost placement, unchanged base first): chr5-37064786-AC-A. GRCh37 (hg19) VCF-style: chr5-37064888-AC-A.
Other names: c.*254del (NM_001438586.1); c.*764del (NM_015384.5); short protein forms D2770fs.
Identifiers: ClinVar variation 4886432 (VCV004886432.2).
Genomic context (GRCh38, chr5:37,064,786, plus strand): 5'-AGGCTAAGCGCCGTGATGGCCGCAAACTGGTGCCTTGGGTAGACACTATTAAAGAGTCAG[AC>A]ATTATTTACAAAAAAATTGCTCTAACGAGTGCTAATAAGCTGACTAATAAAGTTGTTCAG-3'

ClinVar aggregate classification (germline): Likely pathogenic (1 of 4 stars; one submission).

Submission:

Dasa
Classification: Likely pathogenic. Last evaluated: 2025-12-17. Review status: criteria provided, single submitter. Criteria: DASA Assertion Criteria. Collection method: clinical testing. Allele origin: germline.
Comment: NM_133433.4(NIPBL):c.8310del (p.Asp2770Glufs*9) is a frameshift variant in NIPBL predicted to alter the reading frame and introduce a premature termination codon and is predicted to result in an absent or altered protein product. Loss of function is an established disease mechanism for NIPBL (PMID: 15146185; PMID: 15146186; PMID: 15318302). Also, this variant is rare in population databases. Based on the currently available evidence, this variant is classified as likely pathogenic.

Literature cited by the submitters: PubMed 15146185; PubMed 15146186; PubMed 15318302.